The following is an entry in ClinVar:

NM_004813.4(PEX16):c.675T>A (p.Ile225=)

Gene: PEX16 (peroxisomal biogenesis factor 16; minus strand). Cytogenetic location: 11p11.2.
Variant type: single nucleotide variant.
Coding change: c.675T>A on transcript NM_004813.4 (MANE Select); coding-DNA position 675, T replaced by A.
Protein change: p.Ile225=; no amino-acid change (isoleucine 225 retained).
Molecular consequence: synonymous variant.
Genome position (GRCh38, 1-based): chr11:45,914,335, A>T on the plus strand (T>A on the coding strand, the complement: PEX16 is on the minus strand). VCF-style: chr11-45914335-A-T. GRCh37 (hg19) VCF-style: chr11-45935886-A-T.
Other names: c.675T>A, p.Ile225= (NM_057174.3); c.675T>A (NM_004813.2).
Identifiers: ClinVar variation 1422505 (VCV001422505.9), dbSNP rs757682196, ClinGen allele CA5959879.

ClinVar aggregate classification (germline): Likely benign. Review status: criteria provided, multiple submitters, no conflicts (2 of 4 stars). 2 submissions from 2 submitters: Likely benign (2). Last evaluated 2026-07-07.

Conditions:
PEX16-related disorder. Also called: PEX16-related condition.
Peroxisome biogenesis disorder. Identifiers: Orphanet 79189, MedGen C1832200, MONDO:0019234. Disease mechanism: loss of function.

Allele frequency attached by ClinVar (database versions not stated): gnomAD exomes below 0.00001; ExAC 0.00001; gnomAD 0.00001; TOPMed 0.00001.

Submissions (2):

PreventionGenetics, part of Exact Sciences
Classification: Likely benign for PEX16-related condition. Last evaluated: 2026-07-07. Review status: criteria provided, single submitter. Criteria: ACMG Guidelines, 2015. Collection method: clinical testing. Allele origin: germline.
Comment: This variant is classified as likely benign based on ACMG/AMP sequence variant interpretation guidelines (Richards et al. 2015 PMID: 25741868, with internal and published modifications).

Labcorp Genetics (formerly Invitae), Labcorp
Classification: Likely benign for Peroxisome biogenesis disorder. Last evaluated: 2025-04-28. Review status: criteria provided, single submitter. Criteria: Invitae Variant Classification Sherloc (09022015). Collection method: clinical testing. Allele origin: germline.